The following is an entry in ClinVar:

NM_000211.5(ITGB2):c.253G>A (p.Ala85Thr)

Gene: ITGB2 (integrin subunit beta 2; minus strand). Cytogenetic location: 21q22.3.
Variant type: single nucleotide variant.
Coding change: c.253G>A on transcript NM_000211.5 (MANE Select); coding-DNA position 253, G replaced by A.
Protein change: p.Ala85Thr; replaces alanine 85 with threonine.
Molecular consequence: missense variant.
Genome position (GRCh38, 1-based): chr21:44,906,990, C>T on the plus strand (G>A on the coding strand, the complement: ITGB2 is on the minus strand). VCF-style: chr21-44906990-C-T. GRCh37 (hg19) VCF-style: chr21-46326905-C-T.
Other names: c.253G>A (LRG_76t1); c.253G>A, p.Ala85Thr (NM_001127491.3); c.46G>A, p.Ala16Thr (NM_001303238.2); short protein forms A85T, A16T.
Identifiers: ClinVar variation 340176 (VCV000340176.13), dbSNP rs548099370, ClinGen allele CA10063279.

ClinVar aggregate classification (germline): Uncertain significance. Review status: criteria provided, multiple submitters, no conflicts (2 of 4 stars). 4 submissions from 4 submitters: Uncertain significance (4). Last evaluated 2023-12-20.

Conditions:
Inborn genetic diseases. Identifiers: MedGen C0950123, MeSH D030342.
Leukocyte adhesion deficiency 1 (LAD1). Also called: LEUKOCYTE ADHESION DEFICIENCY, TYPE I; LAD 1; Lymphocyte function-associated antigen 1 immunodeficiency; LFA 1 immunodeficiency. Identifiers: Orphanet 2968, Orphanet 99842, MedGen C0398738, MONDO:0007293, OMIM 116920.

Allele frequency attached by ClinVar (database versions not stated): gnomAD 0.00001 and 0.00004; TOPMed 0.00002; gnomAD exomes 0.00005 and 0.00008; ExAC 0.00006; 1000 Genomes Project 30x 0.00016; 1000 Genomes Project 0.00020.
gnomAD v4.1: 123 of 1,614,182 alleles (0.0076%); highest among the groups gnomAD compares: East Asian, 0.17%; 1 homozygote.

Submissions (4):

Ambry Genetics
Classification: Uncertain significance for Inborn genetic diseases. Last evaluated: 2023-12-20. Review status: criteria provided, single submitter. Criteria: Ambry Variant Classification Scheme 2023. Collection method: clinical testing. Allele origin: germline.

Labcorp Genetics (formerly Invitae), Labcorp
Classification: Uncertain significance for Leukocyte adhesion deficiency 1. Last evaluated: 2021-09-15. Review status: criteria provided, single submitter. Criteria: Invitae Variant Classification Sherloc (09022015). Collection method: clinical testing. Allele origin: germline.
Comment: This sequence change replaces alanine with threonine at codon 85 of the ITGB2 protein (p.Ala85Thr). The alanine residue is highly conserved and there is a small physicochemical difference between alanine and threonine. This variant is present in population databases (rs548099370, ExAC 0.07%). This variant has not been reported in the literature in individuals affected with ITGB2-related conditions. ClinVar contains an entry for this variant (Variation ID: 340176). Algorithms developed to predict the effect of missense changes on protein structure and function (SIFT, PolyPhen-2, Align-GVGD) all suggest that this variant is likely to be tolerated. In summary, the available evidence is currently insufficient to determine the role of this variant in disease. Therefore, it has been classified as a Variant of Uncertain Significance.

Mayo Clinic Laboratories, Mayo Clinic
Classification: Uncertain significance. Last evaluated: 2019-04-07. Review status: criteria provided, single submitter. Criteria: ACMG Guidelines, 2015. Collection method: clinical testing. Allele origin: germline. Observed: 1 variant allele.

Illumina Laboratory Services, Illumina
Classification: Uncertain significance for Leukocyte adhesion deficiency 1. Last evaluated: 2018-01-13. Review status: criteria provided, single submitter. Criteria: ICSL Variant Classification Criteria 13 December 2019. Collection method: clinical testing. Allele origin: germline.